The following is an entry in ClinVar:

ClinVar aggregate classification (germline): Uncertain significance (1 of 4 stars; one submission).

Submission:

Ambry Genetics
Classification: Uncertain significance. Last evaluated: 2021-12-31. Review status: criteria provided, single submitter. Criteria: Ambry Variant Classification Scheme 2023. Collection method: clinical testing. Allele origin: germline.
Comment: The p.P85A variant (also known as c.253C>G), located in coding exon 4 of the RAD54L gene, results from a C to G substitution at nucleotide position 253. The proline at codon 85 is replaced by alanine, an amino acid with highly similar properties. This amino acid position is conserved. In addition, the in silico prediction for this alteration is inconclusive. Since supporting evidence is limited at this time, the clinical significance of this alteration remains unclear.

NM_003579.4(RAD54L):c.253C>G (p.Pro85Ala)

Gene: RAD54L (RAD54 like; plus strand). Cytogenetic location: 1p34.1.
Variant type: single nucleotide variant.
Coding change: c.253C>G on transcript NM_003579.4 (MANE Select); coding-DNA position 253, C replaced by G.
Protein change: p.Pro85Ala; replaces proline 85 with alanine.
Molecular consequence: missense variant. On other transcripts: 5 prime UTR variant (1).
Genome position (GRCh38, 1-based): chr1:46,258,728, C>G. VCF-style: chr1-46258728-C-G. GRCh37 (hg19) VCF-style: chr1-46724400-C-G.
Other names: c.253C>G, p.Pro85Ala (NM_001142548.2); c.-288C>G (NM_001370766.1); short protein forms P85A.
Identifiers: ClinVar variation 1792796 (VCV001792796.2), dbSNP rs761954096, ClinGen allele CA340180841.